The following is an entry in ClinVar:

NM_139319.3(SLC17A8):c.676+3G>A

Gene: SLC17A8 (solute carrier family 17 member 8; plus strand). Cytogenetic location: 12q23.1.
Variant type: single nucleotide variant.
Coding change: c.676+3G>A on transcript NM_139319.3 (MANE Select); 3 bases into the intron after coding-DNA position 676, G replaced by A.
Molecular consequence: intron variant.
Genome position (GRCh38, 1-based): chr12:100,396,420, G>A. VCF-style: chr12-100396420-G-A. GRCh37 (hg19) VCF-style: chr12-100790198-G-A.
Other names: c.676+3G>A (NM_001145288.2).
Identifiers: ClinVar variation 1922716 (VCV001922716.5), dbSNP rs1246130972, ClinGen allele CA606826598.

ClinVar aggregate classification (germline): Uncertain significance (1 of 4 stars; one submission).

Allele frequency attached by ClinVar (database versions not stated): TOPMed below 0.00001; gnomAD 0.00001; gnomAD exomes 0.00002.
gnomAD v4.1: 27 of 1,611,654 alleles (0.0017%); highest among the groups gnomAD compares: Non-Finnish European, 0.0022%; 1 homozygote.

Submission:

Labcorp Genetics (formerly Invitae), Labcorp
Classification: Uncertain significance. Last evaluated: 2023-12-07. Review status: criteria provided, single submitter. Criteria: Invitae Variant Classification Sherloc (09022015). Collection method: clinical testing. Allele origin: germline.
Comment: This sequence change falls in intron 5 of the SLC17A8 gene. It does not directly change the encoded amino acid sequence of the SLC17A8 protein. It affects a nucleotide within the consensus splice site. The frequency data for this variant in the population databases is considered unreliable, as metrics indicate poor data quality at this position in the gnomAD database. This variant has not been reported in the literature in individuals affected with SLC17A8-related conditions. ClinVar contains an entry for this variant (Variation ID: 1922716). Variants that disrupt the consensus splice site are a relatively common cause of aberrant splicing (PMID: 17576681, 9536098). Algorithms developed to predict the effect of sequence changes on RNA splicing suggest that this variant is not likely to affect RNA splicing. In summary, the available evidence is currently insufficient to determine the role of this variant in disease. Therefore, it has been classified as a Variant of Uncertain Significance.

Literature cited by the submitters: PubMed 17576681; PubMed 9536098.